The following is an entry in ClinVar:

NM_001709.5(BDNF):c.495A>T (p.Thr165=)

Genes: BDNF (brain derived neurotrophic factor; minus strand), BDNF-AS (BDNF antisense RNA; plus strand). Cytogenetic location: 11p14.1.
Variant type: single nucleotide variant.
Coding change: c.495A>T on transcript NM_001709.5 (MANE Select); coding-DNA position 495, A replaced by T.
Protein change: p.Thr165=; no amino-acid change (threonine 165 retained).
Molecular consequence: synonymous variant.
Genome position (GRCh38, 1-based): chr11:27,658,070, T>A on the plus strand (A>T on the coding strand, the complement: BDNF is on the minus strand). VCF-style: chr11-27658070-T-A. GRCh37 (hg19) VCF-style: chr11-27679617-T-A.
Other names: c.495A>T, p.Thr165= (NM_001143805.1, NM_001143806.1, NM_001143807.2 and 9 more transcripts); c.582A>T, p.Thr194= (NM_001143809.2); c.741A>T, p.Thr247= (NM_001143810.2); c.519A>T, p.Thr173= (NM_170731.5); c.540A>T, p.Thr180= (NM_170734.4).
Identifiers: ClinVar variation 3352254 (VCV003352254.1).

ClinVar aggregate classification (germline): Likely benign (0 of 4 stars; one submission).

Conditions:
BDNF-related disorder. Also called: BDNF-related condition.

gnomAD v4.1: 12 of 1,614,194 alleles (0.00074%); highest among the groups gnomAD compares: Non-Finnish European, 0.001%; no homozygotes.

Submission:

PreventionGenetics, part of Exact Sciences
Classification: Likely benign for BDNF-related condition. Last evaluated: 2023-08-17. Review status: no assertion criteria provided. Collection method: clinical testing. Allele origin: germline.
Comment: This variant is classified as likely benign based on ACMG/AMP sequence variant interpretation guidelines (Richards et al. 2015 PMID: 25741868, with internal and published modifications).